The following is an entry in ClinVar:

NM_000179.3(MSH6):c.4055A>C (p.Lys1352Thr)

Gene: MSH6 (mutS homolog 6; plus strand). Cytogenetic location: 2p16.3.
Variant type: single nucleotide variant.
Coding change: c.4055A>C on transcript NM_000179.3 (MANE Select); coding-DNA position 4055, A replaced by C.
Protein change: p.Lys1352Thr; replaces lysine 1352 with threonine.
Molecular consequence: missense variant.
Genome position (GRCh38, 1-based): chr2:47,806,832, A>C. VCF-style: chr2-47806832-A-C. GRCh37 (hg19) VCF-style: chr2-48033971-A-C.
Other names: c.3665A>C, p.Lys1222Thr (NM_001281492.2); c.3149A>C, p.Lys1050Thr (NM_001281493.2, NM_001281494.2, NM_001406823.1 and 6 more transcripts); c.4151A>C, p.Lys1384Thr (NM_001406795.1); c.4055A>C, p.Lys1352Thr (NM_001406796.1, NM_001406809.1); c.3758A>C, p.Lys1253Thr (NM_001406797.1, NM_001406805.1, NM_001406818.1 and 8 more transcripts); c.3881A>C, p.Lys1294Thr (NM_001406798.1); c.3530A>C, p.Lys1177Thr (NM_001406799.1, NM_001406806.1, NM_001406807.1); c.*76A>C (NM_001406800.1); and 9 more; short protein forms K1296T, K1326T, K301T, K667T, K830T, K1253T, K1294T, K1050T.
Identifiers: ClinVar variation 1737408 (VCV001737408.2), dbSNP rs2530896731, ClinGen allele CA346761725.

ClinVar aggregate classification (germline): Uncertain significance (1 of 4 stars; one submission).

Conditions:
Hereditary cancer-predisposing syndrome. Also called: Neoplastic Syndromes, Hereditary; Tumor predisposition; Hereditary Cancer Syndrome; Hereditary neoplastic syndrome. Identifiers: Orphanet 140162, MedGen C0027672, MeSH D009386, MONDO:0015356.

Submission:

Ambry Genetics
Classification: Uncertain significance for Hereditary cancer-predisposing syndrome. Last evaluated: 2019-08-28. Review status: criteria provided, single submitter. Criteria: Ambry Variant Classification Scheme 2023. Collection method: clinical testing. Allele origin: germline.
Comment: The p.K1352T variant (also known as c.4055A>C), located in coding exon 10 of the MSH6 gene, results from an A to C substitution at nucleotide position 4055. The lysine at codon 1352 is replaced by threonine, an amino acid with similar properties. This amino acid position is well conserved in available vertebrate species. In addition, the in silico prediction for this alteration is inconclusive. Since supporting evidence is limited at this time, the clinical significance of this alteration remains unclear.